The following is an entry in ClinVar:

NM_007294.4(BRCA1):c.2611_2612del (p.Pro871fs)

Gene: BRCA1 (BRCA1 DNA repair associated; minus strand). Cytogenetic location: 17q21.31.
Variant type: Deletion.
Coding change: c.2611_2612del on transcript NM_007294.4 (MANE Select); coding-DNA positions 2611 to 2612, 2 bases deleted (CC; older notation c.2611_2612delCC).
Protein change: p.Pro871fs; shifts the reading frame from proline 871.
Molecular consequence: frameshift variant. On other transcripts: intron variant (137).
Genome position (GRCh38, 1-based): chr17:43,092,919-43,092,920, GG deleted on the plus strand (CC on the coding strand, the reverse complement: BRCA1 is on the minus strand). VCF-style (leftmost placement, unchanged base first): chr17-43092918-CGG-C. GRCh37 (hg19) VCF-style: chr17-41244935-CGG-C.
Other names: 2730delCC; c.2398_2399del, p.Pro800fs (NM_001407571.1, NM_001407853.1, NM_001407894.1 and 9 more transcripts); c.2611_2612del, p.Pro871fs (NM_001407581.1, NM_001407582.1, NM_001407583.1 and 30 more transcripts); c.2608_2609del, p.Pro870fs (NM_001407587.1, NM_001407590.1, NM_001407591.1 and 22 more transcripts); c.2602_2603del, p.Pro868fs (NM_001407646.1, NM_001407647.1); c.2488_2489del, p.Pro830fs (NM_001407648.1, NM_001407664.1, NM_001407665.1 and 19 more transcripts); c.2485_2486del, p.Pro829fs (NM_001407649.1, NM_001407670.1, NM_001407671.1 and 11 more transcripts); c.2533_2534del, p.Pro845fs (NM_001407653.1, NM_001407654.1, NM_001407655.1 and 4 more transcripts); and 42 more; short protein forms P824fs, P871fs, P759fs, P783fs, P801fs, P868fs, P703fs, P743fs.
Identifiers: ClinVar variation 54617 (VCV000054617.9), dbSNP rs80357962, ClinGen allele CA001716.
Genomic context (GRCh38, chr17:43,092,918, plus strand): 5'-GGACCCAGAGTGGGCAGAGAATGTTGCACATTCCTCTTCTGCATTTCCTGGATTTGAAAA[CGG>C]AGCAAATGACTGGCGCTTTGAAACCTTGAATGTATTCTGCAAATACTGAGCATCAAGTTC-3'

ClinVar aggregate classification (germline): Pathogenic. Review status: reviewed by expert panel (3 of 4 stars). 6 submissions from 6 submitters: Pathogenic (1). 5 of the submissions do not count toward it. Last evaluated 2016-09-08.

Conditions:
Hereditary breast ovarian cancer syndrome. Also called: Hereditary breast and ovarian cancer syndrome (HBOC); Hereditary breast and ovarian cancer syndrome; Hereditary breast and ovarian cancer; Hereditary breast and/or ovarian cancer syndrome; Breast and ovarian cancer; BRCA1- and BRCA2-Associated Hereditary Breast and Ovarian Cancer. Identifiers: Orphanet 145, MedGen C0677776, MeSH D061325, MONDO:0003582. Disease mechanism: loss of function.
Breast-ovarian cancer, familial, susceptibility to, 1 (BROVCA1). Also called: OVARIAN CANCER, SUSCEPTIBILITY TO; BRCA1 Hereditary Breast and Ovarian Cancer. Identifiers: Orphanet 145, MedGen C2676676, MONDO:0011450, OMIM 604370. Disease mechanism: loss of function.

Submissions (6):

Evidence-based Network for the Interpretation of Germline Mutant Alleles (ENIGMA)
Classification: Pathogenic for Breast-ovarian cancer, familial, susceptibility to, 1. Last evaluated: 2016-09-08. Review status: reviewed by expert panel. Criteria: ENIGMA BRCA1/2 Classification Criteria (2015). Collection method: curation. Allele origin: germline.
Comment: Variant allele predicted to encode a truncated non-functional protein.

Labcorp Genetics (formerly Invitae), Labcorp
Classification: Pathogenic for Hereditary breast ovarian cancer syndrome. Last evaluated: 2023-10-14. Review status: criteria provided, single submitter. Criteria: Invitae Variant Classification Sherloc (09022015). Collection method: clinical testing. Allele origin: germline. Not counted in ClinVar's aggregate classification.
Comment: This sequence change creates a premature translational stop signal (p.Pro871Valfs*31) in the BRCA1 gene. It is expected to result in an absent or disrupted protein product. Loss-of-function variants in BRCA1 are known to be pathogenic (PMID: 20104584). This variant is not present in population databases (gnomAD no frequency). This premature translational stop signal has been observed in individual(s) with breast and/or ovarian cancer (PMID: 27062684, 29176636, 35220195). ClinVar contains an entry for this variant (Variation ID: 54617). For these reasons, this variant has been classified as Pathogenic.

Women's Health and Genetics/Laboratory Corporation of America, LabCorp
Classification: Pathogenic for Hereditary breast ovarian cancer syndrome. Last evaluated: 2021-04-10. Review status: criteria provided, single submitter. Criteria: LabCorp Variant Classification Summary - May 2015. Collection method: clinical testing. Allele origin: germline. Not counted in ClinVar's aggregate classification.
Comment: Variant summary: BRCA1 c.2611_2612delCC (p.Pro871ValfsX31) results in a premature termination codon, predicted to cause a truncation of the encoded protein or absence of the protein due to nonsense mediated decay, which are commonly known mechanisms for disease. Truncations downstream of this position have been classified as pathogenic by our laboratory. The variant was absent in 251120 control chromosomes. c.2611_2612delCC has been reported in the literature in individuals of diverse ethnicities affected with Hereditary Breast And Ovarian Cancer (example, Nakamura_2013, Rebbeck_2018). These data indicate that the variant is likely associated with disease. To our knowledge, no experimental evidence demonstrating an impact on protein function has been reported. An expert panel (ENIGMA) and a consortium (CIMBA) have submitted clinical-significance assessments for this variant to ClinVar after 2014 without evidence for independent evaluation. Both submitters classified the variant as pathogenic. Based on the evidence outlined above, the variant was classified as pathogenic.

Consortium of Investigators of Modifiers of BRCA1/2 (CIMBA), c/o University of Cambridge
Classification: Pathogenic for Breast-ovarian cancer, familial, susceptibility to, 1. Last evaluated: 2015-10-02. Review status: criteria provided, single submitter. Criteria: CIMBA Mutation Classification guidelines May 2016. Collection method: clinical testing. Allele origin: germline. Not counted in ClinVar's aggregate classification.

Research Molecular Genetics Laboratory, Women's College Hospital, University of Toronto
Classification: Pathogenic for Hereditary breast ovarian cancer syndrome. Last evaluated: 2014-01-31. Review status: no assertion criteria provided. Collection method: research. Allele origin: germline. Affected: yes. Study: The Canadian Open Genetics Repository (COGR). Not counted in ClinVar's aggregate classification.

Breast Cancer Information Core (BIC) (BRCA1)
Classification: Pathogenic for Breast-ovarian cancer, familial 1. Last evaluated: 2002-05-29. Review status: no assertion criteria provided. Collection method: clinical testing. Allele origin: germline. Affected: yes. Observed: 1 variant allele. Not counted in ClinVar's aggregate classification.

Literature cited by the submitters: PubMed 20104584 (cited by Labcorp Genetics (formerly Invitae), Labcorp); PubMed 27062684 (cited by Labcorp Genetics (formerly Invitae), Labcorp); PubMed 29176636 (cited by Labcorp Genetics (formerly Invitae), Labcorp); PubMed 35220195 (cited by Labcorp Genetics (formerly Invitae), Labcorp); PubMed 24249303 (cited by Women's Health and Genetics/Laboratory Corporation of America, LabCorp); PubMed 29446198 (cited by Women's Health and Genetics/Laboratory Corporation of America, LabCorp).